The following is an entry in ClinVar:

NM_014000.3(VCL):c.*1584T>A

Gene: VCL (vinculin; plus strand). Cytogenetic location: 10q22.2.
Variant type: single nucleotide variant.
Coding change: c.*1584T>A on transcript NM_014000.3 (MANE Select); 1584 bases downstream of the stop codon, T replaced by A.
Molecular consequence: 3 prime UTR variant.
Genome position (GRCh38, 1-based): chr10:74,119,753, T>A. VCF-style: chr10-74119753-T-A. GRCh37 (hg19) VCF-style: chr10-75879511-T-A.
Other names: c.*1584T>A (NM_003373.4).
Identifiers: ClinVar variation 300815 (VCV000300815.6), dbSNP rs703258, ClinGen allele CA10636354.
Genomic context (GRCh38, chr10:74,119,753, plus strand): 5'-ACATCGAATGTGTACAACTTAAGTTGGTCCTTTACACTCAGGCTTTCACTATTTCCTTTA[T>A]AATGAGGATGATTATTTTCAAGGCCCTCAGCATATTTGTATAGTTGCTTGCCTGATATAA-3'

ClinVar aggregate classification (germline): Benign. Review status: criteria provided, multiple submitters, no conflicts (2 of 4 stars). 2 submissions from 2 submitters: Benign (2). Last evaluated 2018-01-13.

Conditions:
Dilated cardiomyopathy 1W (CMD1W). Identifiers: Orphanet 154, MedGen C1969639, MONDO:0012667, OMIM 611407.

Allele frequency attached by ClinVar (database versions not stated): 1000 Genomes Project 0.62540; 1000 Genomes Project 30x 0.63570; gnomAD exomes 0.65942; gnomAD 0.73311 and 0.74527; TOPMed 0.73534.
gnomAD v4.1: 111,761 of 152,428 alleles (73%); highest among the groups gnomAD compares: Middle Eastern, 85%; 41,710 homozygotes.

Submissions (2):

Illumina Laboratory Services, Illumina
Classification: Benign for Dilated cardiomyopathy 1W. Last evaluated: 2018-01-13. Review status: criteria provided, single submitter. Criteria: ICSL Variant Classification Criteria 13 December 2019. Collection method: clinical testing. Allele origin: germline.
Comment: This variant was observed in the ICSL laboratory as part of a predisposition screen in an ostensibly healthy population. It had not been previously curated by ICSL or reported in the Human Gene Mutation Database (HGMD: prior to June 1st, 2018), and was therefore a candidate for classification through an automated scoring system. Utilizing variant allele frequency, disease prevalence and penetrance estimates, and inheritance mode, an automated score was calculated to assess if this variant is too frequent to cause the disease. Based on the score and internal cut-off values, a variant classified as benign is not then subjected to further curation. The score for this variant resulted in a classification of benign for this disease.

Breakthrough Genomics
Classification: Benign. Review status: criteria provided, single submitter. Criteria: ACMG Guidelines, 2015. Collection method: not provided. Allele origin: germline. Inheritance: Autosomal dominant inheritance. Affected: yes.